The following is an entry in ClinVar:

NM_020436.5(SALL4):c.645C>T (p.Leu215=)

Gene: SALL4 (spalt like transcription factor 4; minus strand). Cytogenetic location: 20q13.2.
Variant type: single nucleotide variant.
Coding change: c.645C>T on transcript NM_020436.5 (MANE Select); coding-DNA position 645, C replaced by T.
Protein change: p.Leu215=; no amino-acid change (leucine 215 retained).
Molecular consequence: synonymous variant.
Genome position (GRCh38, 1-based): chr20:51,791,838, G>A on the plus strand (C>T on the coding strand, the complement: SALL4 is on the minus strand). VCF-style: chr20-51791838-G-A. GRCh37 (hg19) VCF-style: chr20-50408377-G-A.
Other names: c.645C>T, p.Leu215= (NM_001318031.2).
Identifiers: ClinVar variation 4821637 (VCV004821637.5).

ClinVar aggregate classification (germline): Likely benign. Review status: criteria provided, multiple submitters, no conflicts (2 of 4 stars). 2 submissions from 2 submitters: Likely benign (2). Last evaluated 2026-02-01.

gnomAD v4.1: 66 of 1,614,020 alleles (0.0041%); highest among the groups gnomAD compares: Admixed American, 0.087%; no homozygotes.

Submissions (2):

CeGaT Center for Human Genetics Tuebingen
Classification: Likely benign. Last evaluated: 2026-02-01. Review status: criteria provided, single submitter. Criteria: CeGaT Center For Human Genetics Tuebingen Variant Classification Criteria Version 2. Collection method: clinical testing. Allele origin: germline. Affected: yes. Observed: 1 variant allele.
Comment: SALL4: BP4, BP7

Blueprint Genetics
Classification: Likely benign. Last evaluated: 2022-09-02. Review status: criteria provided, single submitter. Criteria: ACMG Guidelines, 2015. Collection method: clinical testing. Allele origin: germline.